The following is an entry in ClinVar:

ClinVar aggregate classification (germline): Uncertain significance. Review status: criteria provided, multiple submitters, no conflicts (2 of 4 stars). 2 submissions from 2 submitters: Uncertain significance (2). Last evaluated 2025-09-17.

Conditions:
Inborn genetic diseases. Identifiers: MedGen C0950123, MeSH D030342.
Acute myeloid leukemia (AML). Also called: Acute myeloid leukemia, adult; AML adult; Acute non-lymphocytic leukemia; Acute granulocytic leukemia; Leukemia, acute myeloid, somatic; Leukemia, acute myelogenous, somatic. Identifiers: Orphanet 519, MedGen C0023467, MeSH D015470, MONDO:0018874, OMIM 601626, HP:0004808. Disease mechanism: Constitutively activated FLT3.

Submissions (2):

Ambry Genetics
Classification: Uncertain significance for Inborn genetic diseases. Last evaluated: 2025-09-17. Review status: criteria provided, single submitter. Criteria: Ambry Variant Classification Scheme 2023. Collection method: clinical testing. Allele origin: germline.
Comment: The p.P129H variant (also known as c.386C>A), located in coding exon 1 of the CEBPA gene, results from a C to A substitution at nucleotide position 386. The proline at codon 129 is replaced by histidine, an amino acid with similar properties. This amino acid position is conserved. In addition, this alteration is predicted to be tolerated by in silico analysis. Based on the available evidence, the clinical significance of this variant remains unclear.

Labcorp Genetics (formerly Invitae), Labcorp
Classification: Uncertain significance for Acute myeloid leukemia. Last evaluated: 2021-05-09. Review status: criteria provided, single submitter. Criteria: Invitae Variant Classification Sherloc (09022015). Collection method: clinical testing. Allele origin: germline.
Comment: This variant has not been reported in the literature in individuals with CEBPA-related disease. While this variant is not present in population databases, the frequency information is unreliable, as metrics indicate poor data quality at this position in the ExAC database. This sequence change replaces proline with histidine at codon 129 of the CEBPA protein (p.Pro129His). The proline residue is moderately conserved and there is a moderate physicochemical difference between proline and histidine. In summary, the available evidence is currently insufficient to determine the role of this variant in disease. Therefore, it has been classified as a Variant of Uncertain Significance. Algorithms developed to predict the effect of missense changes on protein structure and function output the following: SIFT: "Deleterious"; PolyPhen-2: "Benign"; Align-GVGD: "Class C0". The histidine amino acid residue is found in multiple mammalian species, suggesting that this missense change does not adversely affect protein function. These predictions have not been confirmed by published functional studies and their clinical significance is uncertain.

NM_004364.5(CEBPA):c.386C>A (p.Pro129His)

Gene: CEBPA (CCAAT enhancer binding protein alpha; minus strand). Cytogenetic location: 19q13.11.
Variant type: single nucleotide variant.
Coding change: c.386C>A on transcript NM_004364.5 (MANE Select); coding-DNA position 386, C replaced by A.
Protein change: p.Pro129His; replaces proline 129 with histidine.
Molecular consequence: missense variant.
Genome position (GRCh38, 1-based): chr19:33,302,029, G>T on the plus strand (C>A on the coding strand, the complement: CEBPA is on the minus strand). VCF-style: chr19-33302029-G-T. GRCh37 (hg19) VCF-style: chr19-33792935-G-T.
Other names: c.386C>A (NM_004364.3); c.29C>A, p.Pro10His (NM_001285829.2); c.491C>A, p.Pro164His (NM_001287424.2); c.344C>A, p.Pro115His (NM_001287435.2); short protein forms P10H, P129H, P115H, P164H.
Identifiers: ClinVar variation 664659 (VCV000664659.11), dbSNP rs1600023223, ClinGen allele CA405275063.